The following is an entry in ClinVar:

NM_138927.4(SON):c.6962_6964del (p.Gly2321del)

Gene: SON (SON DNA and RNA binding protein; plus strand). Cytogenetic location: 21q22.11.
Variant type: Deletion.
Coding change: c.6962_6964del on transcript NM_138927.4 (MANE Select); coding-DNA positions 6962 to 6964, 3 bases deleted (GAG; older notation c.6962_6964delGAG).
Protein change: p.Gly2321del; deletes glycine 2321.
Molecular consequence: non-coding transcript variant (on NR_103797.2).
Genome position (GRCh38, 1-based): chr21:33,573,384-33,573,386, GAG deleted; deleting any 3 consecutive bases within chr21:33,573,382-33,573,386 gives the same sequence; the c. name uses the placement nearest the transcript's 3' end. VCF-style (leftmost placement, unchanged base first): chr21-33573381-AAGG-A. GRCh37 (hg19) VCF-style: chr21-34945687-AAGG-A.
Other names: c.1046_1048del, p.Gly349del (NM_001291412.3); short protein forms G2321del, G349del.
Identifiers: ClinVar variation 3364644 (VCV003364644.1).
Genomic context (GRCh38, chr21:33,573,381, plus strand): 5'-GAGCAGCCCCGGTAACTGGAGGAATGGGAGCCGTTTTGATGAGAAAAATGGGCTGGAGAG[AAGG>A]AGAAGGATTAGGAAAAAACAAAGAAGGCAATAAGGAACCCATCCTAGTTGATTTTAAGAC-3'

ClinVar aggregate classification (germline): Uncertain significance (1 of 4 stars; one submission).

Submission:

GeneDx
Classification: Uncertain significance. Last evaluated: 2023-12-03. Review status: criteria provided, single submitter. Criteria: GeneDx Variant Classification Process June 2021. Collection method: clinical testing. Allele origin: germline. Affected: yes.
Comment: Not observed at significant frequency in large population cohorts (gnomAD); In-frame deletion of 1 amino acid in a non-repeat region; In silico analysis supports a deleterious effect on protein structure/function; Has not been previously published as pathogenic or benign to our knowledge; Reported using an alternate transcript of the gene